The following is an entry in ClinVar:

NM_000368.5(TSC1):c.3265G>A (p.Gly1089Ser)

Gene: TSC1 (TSC complex subunit 1; minus strand). Cytogenetic location: 9q34.13.
Variant type: single nucleotide variant.
Coding change: c.3265G>A on transcript NM_000368.5 (MANE Select); coding-DNA position 3265, G replaced by A.
Protein change: p.Gly1089Ser; replaces glycine 1089 with serine.
Molecular consequence: missense variant. On other transcripts: non-coding transcript variant (5).
Genome position (GRCh38, 1-based): chr9:132,896,465, C>T on the plus strand (G>A on the coding strand, the complement: TSC1 is on the minus strand). VCF-style: chr9-132896465-C-T. GRCh37 (hg19) VCF-style: chr9-135771852-C-T.
Other names: c.3265G>A, p.Gly1089Ser (NM_001406595.1, NM_001406596.1, NM_001406592.1 and 2 more transcripts); c.3262G>A, p.Gly1088Ser (NM_001406597.1, NM_001406598.1, NM_001406599.1 and 2 more transcripts); c.3250G>A, p.Gly1084Ser (NM_001406601.1, NM_001406602.1); c.3247G>A, p.Gly1083Ser (NM_001406603.1, NM_001406604.1); c.3112G>A, p.Gly1038Ser (NM_001162427.2, NM_001406610.1); c.2902G>A, p.Gly968Ser (NM_001362177.2, NM_001406614.1, NM_001406615.1 and 4 more transcripts); c.3223G>A, p.Gly1075Ser (NM_001406605.1, NM_001406606.1, NM_001406607.1); c.3220G>A, p.Gly1074Ser (NM_001406608.1, NM_001406609.1); and 8 more; short protein forms G1038S, G1075S, G1088S, G771S, G772S, G1023S, G1037S, G953S.
Identifiers: ClinVar variation 3974523 (VCV003974523.1).

ClinVar aggregate classification (germline): Uncertain significance (1 of 4 stars; one submission).

Conditions:
Hereditary cancer-predisposing syndrome. Also called: Tumor predisposition; Hereditary neoplastic syndrome; Hereditary Cancer Syndrome; Neoplastic Syndromes, Hereditary. Identifiers: Orphanet 140162, MedGen C0027672, MeSH D009386, MONDO:0015356.

Submission:

Ambry Genetics
Classification: Uncertain significance for Hereditary cancer-predisposing syndrome. Last evaluated: 2025-06-04. Review status: criteria provided, single submitter. Criteria: Ambry Variant Classification Scheme 2023. Collection method: clinical testing. Allele origin: germline.
Comment: The p.G1089S variant (also known as c.3265G>A), located in coding exon 21 of the TSC1 gene, results from a G to A substitution at nucleotide position 3265. The glycine at codon 1089 is replaced by serine, an amino acid with similar properties. This amino acid position is conserved. In addition, the in silico prediction for this alteration is inconclusive. Based on the available evidence, the clinical significance of this variant remains unclear.